The following is an entry in ClinVar:

ClinVar aggregate classification (germline): Benign/Likely benign. Review status: criteria provided, multiple submitters, no conflicts (2 of 4 stars). 4 submissions from 4 submitters: Benign (1); Likely benign (3). Last evaluated 2025-05-18.

Conditions:
Hereditary cancer-predisposing syndrome. Also called: Hereditary Cancer Syndrome; Tumor predisposition; Hereditary neoplastic syndrome; Neoplastic Syndromes, Hereditary. Identifiers: Orphanet 140162, MedGen C0027672, MeSH D009386, MONDO:0015356.
Familial cancer of breast. Also called: Hereditary breast cancer; hereditary breast carcinoma; BREAST CANCER, FAMILIAL. Identifiers: Orphanet 227535, MedGen C0346153, MONDO:0016419, OMIM 114480. Disease mechanism: loss of function.

Submissions (4):

Ambry Genetics
Classification: Likely benign for Hereditary cancer-predisposing syndrome. Last evaluated: 2025-05-18. Review status: criteria provided, single submitter. Criteria: Ambry Variant Classification Scheme 2023. Collection method: clinical testing. Allele origin: germline.

Myriad Genetics, Inc.
Classification: Benign for Familial cancer of breast. Last evaluated: 2024-10-02. Review status: criteria provided, single submitter. Criteria: Myriad Autosomal Dominant, Autosomal Recessive and X-Linked Classification Criteria (2023). Collection method: clinical testing. Allele origin: unknown.
Comment: This variant is considered benign. This variant is a silent/synonymous amino acid change and it is not expected to impact splicing.

Labcorp Genetics (formerly Invitae), Labcorp
Classification: Likely benign for Familial cancer of breast. Last evaluated: 2024-08-08. Review status: criteria provided, single submitter. Criteria: Invitae Variant Classification Sherloc (09022015). Collection method: clinical testing. Allele origin: germline.

Color Diagnostics, LLC DBA Color Health
Classification: Likely benign for Hereditary cancer-predisposing syndrome. Last evaluated: 2017-08-20. Review status: criteria provided, single submitter. Criteria: ACMG Guidelines, 2015. Collection method: clinical testing. Allele origin: germline.

NM_007194.4(CHEK2):c.411A>G (p.Arg137=)

Gene: CHEK2 (checkpoint kinase 2; minus strand). Cytogenetic location: 22q12.1.
Variant type: single nucleotide variant.
Coding change: c.411A>G on transcript NM_007194.4 (MANE Select); coding-DNA position 411, A replaced by G.
Protein change: p.Arg137=; no amino-acid change (arginine 137 retained).
Molecular consequence: synonymous variant.
Genome position (GRCh38, 1-based): chr22:28,725,276, T>C on the plus strand (A>G on the coding strand, the complement: CHEK2 is on the minus strand). VCF-style: chr22-28725276-T-C. GRCh37 (hg19) VCF-style: chr22-29121264-T-C.
Other names: c.540A>G, p.Arg180= (NM_001005735.3); c.-367A>G (NM_001257387.3); c.411A>G, p.Arg137= (NM_001349956.3, NM_145862.3).
Identifiers: ClinVar variation 3661734 (VCV003661734.5).